The following is an entry in ClinVar:

ClinVar aggregate classification (germline): Conflicting classifications of pathogenicity. Review status: criteria provided, conflicting classifications (1 of 4 stars). 4 submissions from 4 submitters: Uncertain significance (1); Benign (1); Likely benign (1). 1 of the submissions does not count toward it. Last evaluated 2026-01-28.

Conditions:
ZNF335-related disorder. Also called: ZNF335-related condition.

Allele frequency attached by ClinVar (database versions not stated): gnomAD exomes 0.00013 and 0.00037; ExAC 0.00037; gnomAD 0.00119 and 0.00126; ESP Exome Variant Server 0.00131; 1000 Genomes Project 0.00140; TOPMed 0.00144; 1000 Genomes Project 30x 0.00172.
gnomAD v4.1: 376 of 1,568,028 alleles (0.024%); highest among the groups gnomAD compares: African/African-American, 0.41%; 2 homozygotes.

Submissions (4):

Labcorp Genetics (formerly Invitae), Labcorp
Classification: Benign. Last evaluated: 2026-01-28. Review status: criteria provided, single submitter. Criteria: Invitae Variant Classification Sherloc (09022015). Collection method: clinical testing. Allele origin: germline.

GeneDx
Classification: Likely benign. Last evaluated: 2019-03-25. Review status: criteria provided, single submitter. Criteria: GeneDx Variant Classification Process June 2021. Collection method: clinical testing. Allele origin: germline. Affected: yes.

Genetic Services Laboratory, University of Chicago
Classification: Uncertain significance. Last evaluated: 2014-02-10. Review status: criteria provided, single submitter. Criteria: ACMG Guidelines, 2007. Collection method: clinical testing. Allele origin: germline. Inheritance: Autosomal recessive inheritance.

PreventionGenetics, part of Exact Sciences
Classification: Likely benign for ZNF335-related condition. Last evaluated: 2022-02-09. Review status: no assertion criteria provided. Collection method: clinical testing. Allele origin: germline. Not counted in ClinVar's aggregate classification.
Comment: This variant is classified as likely benign based on ACMG/AMP sequence variant interpretation guidelines (Richards et al. 2015 PMID: 25741868, with internal and published modifications).

NM_022095.4(ZNF335):c.3392G>A (p.Arg1131Lys)

Gene: ZNF335 (zinc finger protein 335; minus strand). Cytogenetic location: 20q13.12.
Variant type: single nucleotide variant.
Coding change: c.3392G>A on transcript NM_022095.4 (MANE Select); coding-DNA position 3392, G replaced by A.
Protein change: p.Arg1131Lys; replaces arginine 1131 with lysine.
Molecular consequence: missense variant.
Genome position (GRCh38, 1-based): chr20:45,950,314, C>T on the plus strand (G>A on the coding strand, the complement: ZNF335 is on the minus strand). VCF-style: chr20-45950314-C-T. GRCh37 (hg19) VCF-style: chr20-44578953-C-T.
Other names: short protein forms R1131K.
Identifiers: ClinVar variation 130804 (VCV000130804.19), dbSNP rs114864530, ClinGen allele CA231671.
Genomic context (GRCh38, chr20:45,950,314, plus strand): 5'-AGGATGATGGTCTGGGTTGGGGTCTGGGTAGGGGCCCGGGCTGTAGGGGTTCCTGACTTC[C>T]TCCCATCAGGACTGTGCAGCCGCTGGATGTGGAACTTGAGGTGCCCGTTACGGTTGAAAC-3'
Protein context (NP_071378.1, residues 1121-1141): HIQRLHSPDG[Arg1131Lys]KSGTPTARAP